The following is an entry in ClinVar:

NM_001405607.1(PBRM1):c.529-98del

Gene: PBRM1 (polybromo 1; minus strand). Cytogenetic location: 3p21.1.
Variant type: Deletion.
Coding change: c.529-98del on transcript NM_001405607.1 (MANE Select); 98 bases into the intron before coding-DNA position 529, one base deleted (A; older notation c.529-98delA).
Molecular consequence: intron variant.
Genome position (GRCh38, 1-based): chr3:52,658,413, T deleted on the plus strand (A on the coding strand, the reverse complement: PBRM1 is on the minus strand); the first of 16 consecutive T bases (chr3:52,658,413-52,658,428); deleting any one gives the same sequence. VCF-style (leftmost placement, unchanged base first): chr3-52658412-CT-C. GRCh37 (hg19) VCF-style: chr3-52692428-CT-C.
Other names: c.529-98del (NM_001405585.1, NM_001405555.1, NM_001405556.1 and 94 more transcripts); c.528+3720del (NM_001405573.1, NM_001405597.1); c.529-71del (NM_001405586.1, NM_001405569.1, NM_001405580.1 and 4 more transcripts); c.385-98del (NM_001405587.1); c.-1454-98del (NM_001405566.1, NM_001405596.1); c.583-98del (NM_001366076.2, NM_001405574.1, NM_001405591.1 and 4 more transcripts); c.592-98del (NM_001366072.2, NM_001405553.1, NM_001366071.2 and 12 more transcripts); c.580-98del (NM_001366074.2); and 3 more.
Identifiers: ClinVar variation 4795542 (VCV004795542.1).

ClinVar aggregate classification (germline): Likely benign (1 of 4 stars; one submission).

Submission:

GeneDx
Classification: Likely benign. Last evaluated: 2019-08-15. Review status: criteria provided, single submitter. Criteria: GeneDx Variant Classification Process June 2021. Collection method: clinical testing. Allele origin: germline. Affected: yes.
Comment: See Variant Classification Assertion Criteria.